The following is an entry in ClinVar:

ClinVar aggregate classification (germline): Pathogenic (1 of 4 stars; one submission).

Conditions:
Primary ciliary dyskinesia 3. Identifiers: Orphanet 244, MedGen C1837618, MONDO:0012085, OMIM 608644.

Submission:

Myriad Genetics, Inc.
Classification: Pathogenic for Primary ciliary dyskinesia 3. Last evaluated: 2024-05-14. Review status: criteria provided, single submitter. Criteria: Myriad Autosomal Dominant, Autosomal Recessive and X-Linked Classification Criteria (2023). Collection method: clinical testing. Allele origin: unknown.
Comment: NM_001369.2(DNAH5):c.13255_13256ins13(D4419Vfs*23) is expected to be pathogenic in the context of primary ciliary dyskinesia, DNAH5-related. This variant is predicted to lead to an abnormal or absent protein product due to the creation of a premature termination codon in DNAH5, a gene where loss-of-function variants are known to be pathogenic. Please note: this variant was assessed in the context of healthy population screening.

NM_001369.3(DNAH5):c.13255_13256insTCTCTTATACACA (p.Asp4419fs)

Gene: DNAH5 (dynein axonemal heavy chain 5; minus strand). Cytogenetic location: 5p15.2.
Variant type: Insertion.
Coding change: c.13255_13256insTCTCTTATACACA on transcript NM_001369.3 (MANE Select); coding-DNA positions 13255 to 13256, TCTCTTATACACA inserted.
Protein change: p.Asp4419fs; shifts the reading frame from aspartic acid 4419.
Molecular consequence: frameshift variant.
Genome position: GRCh38 VCF-style: chr5-13708205-T-TTGTGTATAAGAGA. GRCh37 (hg19) VCF-style: chr5-13708314-T-TTGTGTATAAGAGA.
Other names: short protein forms D4419fs.
Identifiers: ClinVar variation 5010353 (VCV005010353.1).